The following is an entry in ClinVar:

GRCh37/hg19 14q11.2-12(chr14:24445622-28262222)x1

Genes: ADCY4 (adenylate cyclase 4; minus strand), CARMIL3 (capping protein regulator and myosin 1 linker 3; plus strand), CBLN3 (cerebellin 3 precursor; minus strand), CHMP4A (charged multivesicular body protein 4A; minus strand), CIDEB (cell death inducing DFFA like effector b; minus strand) and 38 more. Cytogenetic location: 14q11.2-12.
Variant type: copy number loss.
Change: copy number 1 (one copy instead of two) of chr14:24,445,622-28,262,222 (3.82 Mb, GRCh37 coordinates, 1-based), cytogenetic band 14q11.2-12.
Identifiers: ClinVar variation 2685479 (VCV002685479.1).

ClinVar aggregate classification (germline): Likely pathogenic (1 of 4 stars; one submission).

Submission:

Quest Diagnostics Nichols Institute San Juan Capistrano
Classification: Likely pathogenic. Last evaluated: 2022-12-29. Review status: criteria provided, single submitter. Criteria: ACMG/ClinGen CNV Guidelines, 2019. Collection method: clinical testing. Allele origin: unknown.
Comment: The copy number loss of 14q11.2q12 involves numerous protein-coding genes. Heterozygous sequence variants of TINF2 are associated with autosomal dominant dyskeratosis congenita-3 (OMIM 613990) and Revesz syndrome (OMIM 268130). Copy number losses of the distal 14q11.2 have been identified in multiple individuals with facial dysmorphism, developmental delays, and intellectual disabilities (Terrone 2014, Zahir 2007). There are no similar copy number losses of this region in the general populations of the Database of Genomic Variants. Thus, based on gene number, this copy number variant (CNV) is classified as likely pathogenic. References: Terrone et al., Am J Med Genet A. 2014 Jan;164A(1):190-3. PMID: 24243641; Zahir et al., J Med Genet. 2007 Sep;44(9):556-61. PMID: 17545556